The following is an entry in ClinVar:

NM_000214.3(JAG1):c.514C>T (p.Gln172Ter)

Gene: JAG1 (jagged canonical Notch ligand 1; minus strand). Cytogenetic location: 20p12.2.
Variant type: single nucleotide variant.
Coding change: c.514C>T on transcript NM_000214.3 (MANE Select); coding-DNA position 514, C replaced by T.
Protein change: p.Gln172Ter; replaces glutamine 172 with a stop codon.
Molecular consequence: nonsense.
Genome position (GRCh38, 1-based): chr20:10,658,648, G>A on the plus strand (C>T on the coding strand, the complement: JAG1 is on the minus strand). VCF-style: chr20-10658648-G-A. GRCh37 (hg19) VCF-style: chr20-10639296-G-A.
Other names: short protein forms Q172*.
Identifiers: ClinVar variation 2584539 (VCV002584539.1), dbSNP rs2514526624, ClinGen allele CA408240433.

ClinVar aggregate classification (germline): Pathogenic (1 of 4 stars; one submission).

Conditions:
JAG1-related disorder. Also called: JAG1-related condition; JAG1-related disorders.

Submission:

Rady Children's Institute for Genomic Medicine, Rady Children's Hospital San Diego
Classification: Pathogenic for JAG1-related disorders. Review status: criteria provided, single submitter. Criteria: ACMG Guidelines, 2015. Collection method: clinical testing. Allele origin: germline. Affected: yes.
Comment: This nonsense variant found in exon 4 of 26 is predicted to result in loss of normal protein function through either protein truncation or nonsense-mediated mRNA decay (NMD). This variant has been previously reported as a heterozygous change in patients with Alagille syndrome 1 (PMID: 11180599, 31343788, 31775751). Loss-of-function variation in JAG1 is an established mechanism of disease (PMID: 11180599). The c.514C>T (p.Gln172Ter) variant is absent from the gnomAD population database and thus is presumed to be rare. Analysis of the parental samples was negative for the variant, indicating this variant likely occurred as a de novo event. Based on the available evidence, the c.514C>T (p.Gln172Ter) variant is classified as Pathogenic.